The following is an entry in ClinVar:

NM_181882.3(PRX):c.1300G>C (p.Val434Leu)

Gene: PRX (periaxin; minus strand). Cytogenetic location: 19q13.2.
Variant type: single nucleotide variant.
Coding change: c.1300G>C on transcript NM_181882.3 (MANE Select); coding-DNA position 1300, G replaced by C.
Protein change: p.Val434Leu; replaces valine 434 with leucine.
Molecular consequence: missense variant. On other transcripts: 3 prime UTR variant (1).
Genome position (GRCh38, 1-based): chr19:40,397,052, C>G on the plus strand (G>C on the coding strand, the complement: PRX is on the minus strand). VCF-style: chr19-40397052-C-G. GRCh37 (hg19) VCF-style: chr19-40902959-C-G.
Other names: c.*1505G>C (NM_020956.2); short protein forms V434L.
Identifiers: ClinVar variation 934402 (VCV000934402.8), dbSNP rs746471273, ClinGen allele CA9444289.

ClinVar aggregate classification (germline): Uncertain significance. Review status: criteria provided, multiple submitters, no conflicts (2 of 4 stars). 2 submissions from 2 submitters: Uncertain significance (2). Last evaluated 2026-04-16.

Conditions:
PRX-related disorder. Also called: PRX-Related Disorders; PRX-related condition.
Charcot-Marie-Tooth disease type 4. Also called: Charcot-Marie-Tooth disease, type IV; Charcot-Marie-Tooth, Type 4. Identifiers: Orphanet 64749, MedGen C4082197, MONDO:0018995.

Allele frequency attached by ClinVar (database versions not stated): gnomAD 0.00001; TOPMed 0.00001; gnomAD exomes 0.00003; ExAC 0.00004.
gnomAD v4.1: 15 of 1,613,988 alleles (0.00093%); highest among the groups gnomAD compares: Non-Finnish European, 0.0012%; no homozygotes.

Submissions (2):

PreventionGenetics, part of Exact Sciences
Classification: Uncertain significance for PRX-related condition. Last evaluated: 2026-04-16. Review status: criteria provided, single submitter. Criteria: ACMG Guidelines, 2015. Collection method: clinical testing. Allele origin: germline.
Comment: The PRX c.1300G>C variant is predicted to result in the amino acid substitution p.Val434Leu. To our knowledge, this variant has not been reported in the literature. This variant is reported in 0.0053% of alleles in individuals of European (non-Finnish) descent in gnomAD. At this time, the clinical significance of this variant is uncertain due to the absence of conclusive functional and genetic evidence.

Labcorp Genetics (formerly Invitae), Labcorp
Classification: Uncertain significance for Charcot-Marie-Tooth disease type 4. Last evaluated: 2022-04-27. Review status: criteria provided, single submitter. Criteria: Invitae Variant Classification Sherloc (09022015). Collection method: clinical testing. Allele origin: germline.
Comment: This sequence change replaces valine, which is neutral and non-polar, with leucine, which is neutral and non-polar, at codon 434 of the PRX protein (p.Val434Leu). This variant is present in population databases (rs746471273, gnomAD 0.005%). This variant has not been reported in the literature in individuals affected with PRX-related conditions. ClinVar contains an entry for this variant (Variation ID: 934402). Algorithms developed to predict the effect of missense changes on protein structure and function (SIFT, PolyPhen-2, Align-GVGD) all suggest that this variant is likely to be tolerated. In summary, the available evidence is currently insufficient to determine the role of this variant in disease. Therefore, it has been classified as a Variant of Uncertain Significance.